The following is an entry in ClinVar:

NM_007315.4(STAT1):c.623A>G (p.Asn208Ser)

Gene: STAT1 (signal transducer and activator of transcription 1; minus strand). Cytogenetic location: 2q32.2.
Variant type: single nucleotide variant.
Coding change: c.623A>G on transcript NM_007315.4 (MANE Select); coding-DNA position 623, A replaced by G.
Protein change: p.Asn208Ser; replaces asparagine 208 with serine.
Molecular consequence: missense variant. On other transcripts: intron variant (1).
Genome position (GRCh38, 1-based): chr2:190,998,227, T>C on the plus strand (A>G on the coding strand, the complement: STAT1 is on the minus strand). VCF-style: chr2-190998227-T-C. GRCh37 (hg19) VCF-style: chr2-191862953-T-C.
Other names: c.623A>G, p.Asn208Ser (NM_001384880.1, NM_001384882.1, NM_001384885.1 and 5 more transcripts); c.629A>G, p.Asn210Ser (NM_001384881.1, NM_001384884.1); c.533A>G, p.Asn178Ser (NM_001384890.1); c.659A>G, p.Asn220Ser (NM_001384891.1); c.535-220A>G (NM_001384883.1); short protein forms N208S, N178S, N210S, N220S.
Identifiers: ClinVar variation 965794 (VCV000965794.5), dbSNP rs1693996687, ClinGen allele CA349924117.
Genomic context (GRCh38, chr2:190,998,227, plus strand): 5'-TTACAGTGTATAACAAAAGTGGCATGCTATTCTGGAAAGTAAATAACTACCTTTCTCTTA[T>C]TGTCAAGCATTAAATACATCTTCTTGAGTAACAGCTGTTCTTGTTTCTGATCACTCTTTG-3'
Protein context (NP_009330.1, residues 198-218): LLKKMYLMLD[Asn208Ser]KRKEVVHKII

ClinVar aggregate classification (germline): Uncertain significance (1 of 4 stars; one submission).

Conditions:
Immunodeficiency 31B. Also called: IMMUNODEFICIENCY 31B, MYCOBACTERIAL AND VIRAL INFECTIONS, AUTOSOMAL RECESSIVE; STAT1 DEFICIENCY, AUTOSOMAL RECESSIVE. Identifiers: Orphanet 391311, MedGen C3151088, MONDO:0013427, OMIM 613796.
Autoimmune enteropathy and endocrinopathy - susceptibility to chronic infections syndrome. Also called: Immunodeficiency 31C, autosomal dominant; Immunodeficiency 31C. Identifiers: Orphanet 391487, MedGen C3279990, MONDO:0013599, OMIM 614162.
Mendelian susceptibility to mycobacterial diseases due to partial STAT1 deficiency. Also called: IMMUNODEFICIENCY 31A, MYCOBACTERIOSIS, AUTOSOMAL DOMINANT; STAT1 DEFICIENCY, AUTOSOMAL DOMINANT; Immunodeficiency 31a. Identifiers: Orphanet 319595, MedGen C4013950, MONDO:0013956, OMIM 614892.

Allele frequency attached by ClinVar (database versions not stated): gnomAD exomes below 0.00001.

Submissions (2):

Labcorp Genetics (formerly Invitae), Labcorp
Classification: Uncertain significance for Mendelian susceptibility to mycobacterial diseases due to partial STAT1 deficiency; Immunodeficiency 31B; Autoimmune enteropathy and endocrinopathy - susceptibility to chronic infections syndrome. Last evaluated: 2021-08-24. Review status: criteria provided, single submitter. Criteria: Invitae Variant Classification Sherloc (09022015). Collection method: clinical testing. Allele origin: germline.
Comment: This sequence change replaces asparagine with serine at codon 208 of the STAT1 protein (p.Asn208Ser). The asparagine residue is weakly conserved and there is a small physicochemical difference between asparagine and serine. This variant is not present in population databases (ExAC no frequency). This variant has not been reported in the literature in individuals affected with STAT1-related conditions. Algorithms developed to predict the effect of missense changes on protein structure and function output the following: SIFT: "Tolerated"; PolyPhen-2: "Benign"; Align-GVGD: "Class C0". The serine amino acid residue is found in multiple mammalian species, which suggests that this missense change does not adversely affect protein function. Algorithms developed to predict the effect of sequence changes on RNA splicing suggest that this variant may create or strengthen a splice site. In summary, the available evidence is currently insufficient to determine the role of this variant in disease. Therefore, it has been classified as a Variant of Uncertain Significance.

Dr. Peter K. Rogan Lab, Western University
No classification provided (evidence only). Condition: Colorectal cancer. Review status: no classification provided. Collection method: in vitro. Allele origin: not applicable. Functional consequence: skipped exon, retained intron. Not counted in ClinVar's aggregate classification.